The following is an entry in ClinVar:

ClinVar aggregate classification (germline): Uncertain significance (1 of 4 stars; one submission).

Conditions:
Rhabdoid tumor predisposition syndrome 2 (RTPS2). Identifiers: Orphanet 231108, Orphanet 69077, MedGen C2750074, MONDO:0013224, OMIM 613325.

Submission:

Labcorp Genetics (formerly Invitae), Labcorp
Classification: Uncertain significance for Rhabdoid tumor predisposition syndrome 2. Last evaluated: 2022-12-31. Review status: criteria provided, single submitter. Criteria: Invitae Variant Classification Sherloc (09022015). Collection method: clinical testing. Allele origin: germline.
Comment: This sequence change replaces arginine, which is basic and polar, with leucine, which is neutral and non-polar, at codon 1356 of the SMARCA4 protein (p.Arg1356Leu). This variant is not present in population databases (gnomAD no frequency). This variant has not been reported in the literature in individuals affected with SMARCA4-related conditions. Advanced modeling of protein sequence and biophysical properties (such as structural, functional, and spatial information, amino acid conservation, physicochemical variation, residue mobility, and thermodynamic stability) performed at Invitae indicates that this missense variant is expected to disrupt SMARCA4 protein function. In summary, the available evidence is currently insufficient to determine the role of this variant in disease. Therefore, it has been classified as a Variant of Uncertain Significance.

NM_003072.5(SMARCA4):c.4067G>T (p.Arg1356Leu)

Gene: SMARCA4 (SWI/SNF related BAF chromatin remodeling complex subunit ATPase 4; plus strand). Cytogenetic location: 19p13.2.
Variant type: single nucleotide variant.
Coding change: c.4067G>T on transcript NM_003072.5 (MANE Select); coding-DNA position 4067, G replaced by T.
Protein change: p.Arg1356Leu; replaces arginine 1356 with leucine.
Molecular consequence: missense variant. On other transcripts: non-coding transcript variant (1).
Genome position (GRCh38, 1-based): chr19:11,035,029, G>T. VCF-style: chr19-11035029-G-T. GRCh37 (hg19) VCF-style: chr19-11145705-G-T.
Other names: c.4067G>T, p.Arg1356Leu (NM_001128844.3, NM_001128849.3, NM_001387283.1); c.3968G>T, p.Arg1323Leu (NM_001128845.2, NM_001128846.2, NM_001128847.4 and 3 more transcripts); short protein forms R1323L, R1356L.
Identifiers: ClinVar variation 2825379 (VCV002825379.3), dbSNP rs1204091534, ClinGen allele CA404068245.